The following is an entry in ClinVar:

ClinVar aggregate classification (germline): Likely benign. Review status: criteria provided, single submitter (1 of 4 stars). 2 submissions from 2 submitters: Likely benign (1). 1 of the submissions does not count toward it. Last evaluated 2024-03-13.

Conditions:
Nemaline myopathy 2 (NEM2). Also called: Nemaline myopathy 2, autosomal recessive. Identifiers: MedGen C1850569, MONDO:0009725, OMIM 256030.
NEB-related disorder. Also called: NEB-Related Disorders; NEB-related condition.

Allele frequency attached by ClinVar (database versions not stated): TOPMed 0.00004; ExAC below 0.00001; gnomAD 0.00001.
gnomAD v4.1: 34 of 1,561,722 alleles (0.0022%); highest among the groups gnomAD compares: Middle Eastern, 0.017%; no homozygotes.

Submissions (2):

Labcorp Genetics (formerly Invitae), Labcorp
Classification: Likely benign for Nemaline myopathy 2. Last evaluated: 2024-03-13. Review status: criteria provided, single submitter. Criteria: Invitae Variant Classification Sherloc (09022015). Collection method: clinical testing. Allele origin: germline.

PreventionGenetics, part of Exact Sciences
Classification: Likely benign for NEB-related condition. Last evaluated: 2019-07-22. Review status: no assertion criteria provided. Collection method: clinical testing. Allele origin: germline. Not counted in ClinVar's aggregate classification.
Comment: This variant is classified as likely benign based on ACMG/AMP sequence variant interpretation guidelines (Richards et al. 2015 PMID: 25741868, with internal and published modifications).

NM_001164508.2(NEB):c.24301-7C>T

Genes: RIF1 (replication timing regulatory factor 1; plus strand), NEB (nebulin; minus strand). Cytogenetic location: 2q23.3.
Variant type: single nucleotide variant.
Coding change: c.24301-7C>T on transcript NM_001164508.2 (MANE Select); 7 bases into the intron before coding-DNA position 24301, C replaced by T.
Molecular consequence: intron variant.
Genome position (GRCh38, 1-based): chr2:151,497,040, G>A on the plus strand (C>T on the coding strand, the complement: NEB is on the minus strand). VCF-style: chr2-151497040-G-A. GRCh37 (hg19) VCF-style: chr2-152353554-G-A.
Other names: c.18826-672C>T (NM_004543.5); c.24301-7C>T (NM_001164507.2); c.24406-7C>T (NM_001271208.2).
Identifiers: ClinVar variation 739160 (VCV000739160.12), dbSNP rs755582434, ClinGen allele CA1906085.
Genomic context (GRCh38, chr2:151,497,040, plus strand): 5'-CTCAGGAGTGACAGGTAGAGGGGTTCCCTTGCCCATGTTTTCTTTGTATAACACCTGTGC[G>A]ATAAGAAAGCAACCAGAAAAACAACCATGAGTAACATTTCATTTGTTGAAAGGTTTTAAG-3'